The following is an entry in ClinVar:

NM_001035.3(RYR2):c.4597-11del

Gene: RYR2 (ryanodine receptor 2; plus strand). Cytogenetic location: 1q43.
Variant type: Deletion.
Coding change: c.4597-11del on transcript NM_001035.3 (MANE Select); 11 bases into the intron before coding-DNA position 4597, one base deleted (A; older notation c.4597-11delA).
Genome position (GRCh38, 1-based): chr1:237,602,014, A deleted; the last of 3 consecutive A bases (chr1:237,602,012-237,602,014); deleting any one gives the same sequence. VCF-style (leftmost placement, unchanged base first): chr1-237602011-TA-T. GRCh37 (hg19) VCF-style: chr1-237765311-TA-T.
Other names: c.4597-11delA (NM_001035.2); c.4597-13delA (NM_001035.2).
Identifiers: ClinVar variation 43786 (VCV000043786.38), dbSNP rs3841805, ClinGen allele CA009583.
Genomic context (GRCh38, chr1:237,602,011, plus strand): 5'-TTGTTATAAAGAAAAACTTTTTCCCTTGTCTTGTTTCATTACTAACATTATTAAATTCAT[TA>T]AATGTATTTCAGGTGGAACCGAGTACAAAATTATTTCCTGCGGTTTTTGCACAAGCTACA-3'

ClinVar aggregate classification (germline): Benign. Review status: criteria provided, multiple submitters, no conflicts (2 of 4 stars). 12 submissions from 12 submitters: Benign (8). 4 of the submissions do not count toward it. Last evaluated 2026-02-04.

Conditions:
Cardiovascular phenotype. Identifiers: MedGen CN230736.
Cardiomyopathy (CMYO). Also called: Cardiomyopathies. Identifiers: Orphanet 167848, MedGen C0878544, MONDO:0004994, HP:0001638. Inheritance: Various modes of inheritance.
Catecholaminergic polymorphic ventricular tachycardia 1. Also called: VENTRICULAR TACHYCARDIA, CATECHOLAMINERGIC POLYMORPHIC, 1, WITH OR WITHOUT ATRIAL DYSFUNCTION AND/OR DILATED CARDIOMYOPATHY; RYR2-Related Catecholaminergic Polymorphic Ventricular Tachycardia; VENTRICULAR TACHYCARDIA, STRESS-INDUCED POLYMORPHIC 1. Identifiers: Orphanet 3286, MedGen C1631597, MONDO:0011484, OMIM 604772.

Submissions (12):

Labcorp Genetics (formerly Invitae), Labcorp
Classification: Benign for Catecholaminergic polymorphic ventricular tachycardia 1. Last evaluated: 2026-02-04. Review status: criteria provided, single submitter. Criteria: Invitae Variant Classification Sherloc (09022015). Collection method: clinical testing. Allele origin: germline.

ARUP Laboratories, Molecular Genetics and Genomics, ARUP Laboratories
Classification: Benign. Last evaluated: 2025-05-14. Review status: criteria provided, single submitter. Criteria: ARUP Molecular Germline Variant Investigation Process 2024. Collection method: clinical testing. Allele origin: germline.

Women's Health and Genetics/Laboratory Corporation of America, LabCorp
Classification: Benign. Last evaluated: 2020-02-03. Review status: criteria provided, single submitter. Criteria: LabCorp Variant Classification Summary - May 2015. Collection method: clinical testing. Allele origin: germline.
Comment: Variant summary: RYR2 c.4597-11delA alters a non-conserved nucleotide located close to a canonical splice site and therefore could affect mRNA splicing, leading to a significantly altered protein sequence. 4/4 computational tools predict no significant impact on normal splicing. However, these predictions have yet to be confirmed by functional studies. The variant allele was found at a frequency of 0.0053 in 244908 control chromosomes in the gnomAD database, including 27 homozygotes. The observed variant frequency is approximately 89 fold of the estimated maximal expected allele frequency for a pathogenic variant in RYR2 causing Arrhythmia phenotype (6e-05), strongly suggesting that the variant is benign. To our knowledge, no occurrence of c.4597-11delA in individuals affected with Arrhythmia and no experimental evidence demonstrating its impact on protein function have been reported. Two clinical diagnostic laboratories have submitted clinical-significance assessments for this variant to ClinVar after 2014 without evidence for independent evaluation. Both laboratories classified the variant as benign/likely benign. Based on the evidence outlined above, the variant was classified as benign.

Color Diagnostics, LLC DBA Color Health
Classification: Benign for Cardiomyopathy. Last evaluated: 2018-03-15. Review status: criteria provided, single submitter. Criteria: ACMG Guidelines, 2015. Collection method: clinical testing. Allele origin: germline.

Ambry Genetics
Classification: Benign for Cardiovascular phenotype. Last evaluated: 2014-12-08. Review status: criteria provided, single submitter. Criteria: Ambry Variant Classification Scheme 2023. Collection method: clinical testing. Allele origin: germline.

GeneDx
Classification: Benign. Last evaluated: 2014-05-06. Review status: criteria provided, single submitter. Criteria: GeneDx Variant Classification (06012015). Collection method: clinical testing. Allele origin: germline. Affected: yes.
Comment: This variant is considered likely benign or benign based on one or more of the following criteria: it is a conservative change, it occurs at a poorly conserved position in the protein, it is predicted to be benign by multiple in silico algorithms, and/or has population frequency not consistent with disease.

Laboratory for Molecular Medicine, Mass General Brigham Personalized Medicine
Classification: Benign. Last evaluated: 2012-08-07. Review status: criteria provided, single submitter. Criteria: LMM Criteria. Collection method: clinical testing. Allele origin: germline. Observed: 28 variant alleles.
Comment: 4597-11delA variant in intron 34 of RYR2: This variant has been identified in 12 .8% (25/572) of Asian chromosomes from a broad population by the 1000 Genomes pr oject (dbSNP rs3841805).

PreventionGenetics, part of Exact Sciences
Classification: Benign. Review status: criteria provided, single submitter. Criteria: ACMG Guidelines, 2015. Collection method: clinical testing. Allele origin: germline.

Clinical Genetics DNA and cytogenetics Diagnostics Lab, Erasmus MC, Erasmus Medical Center
Classification: Benign. Review status: no assertion criteria provided. Collection method: clinical testing. Allele origin: germline. Affected: yes. Study: VKGL Data-share Consensus. Not counted in ClinVar's aggregate classification.

Clinical Genetics, Academic Medical Center
Classification: Benign. Review status: no assertion criteria provided. Collection method: clinical testing. Allele origin: germline. Affected: yes. Study: VKGL Data-share Consensus. Not counted in ClinVar's aggregate classification.

Diagnostic Laboratory, Department of Genetics, University Medical Center Groningen
Classification: Likely benign. Review status: no assertion criteria provided. Collection method: clinical testing. Allele origin: germline. Affected: yes. Study: VKGL Data-share Consensus. Not counted in ClinVar's aggregate classification.

Genome Diagnostics Laboratory, University Medical Center Utrecht
Classification: Benign. Review status: no assertion criteria provided. Collection method: clinical testing. Allele origin: germline. Affected: yes. Study: VKGL Data-share Consensus. Not counted in ClinVar's aggregate classification.